The following is an entry in ClinVar:

ClinVar aggregate classification (germline): Uncertain significance (1 of 4 stars; one submission).

Conditions:
Ataxia-telangiectasia syndrome (AT). Also called: LOUIS-BAR SYNDROME; AT, COMPLEMENTATION GROUP C; ATAXIA-TELANGIECTASIA, COMPLEMENTATION GROUP A; ATAXIA-TELANGIECTASIA, FRESNO VARIANT; Ataxia-telangiectasia; Cerebello-oculocutaneous telangiectasia. Identifiers: Orphanet 100, MedGen C0004135, MONDO:0008840, OMIM 208900.

Submission:

Labcorp Genetics (formerly Invitae), Labcorp
Classification: Uncertain significance for Ataxia-telangiectasia syndrome. Last evaluated: 2024-01-07. Review status: criteria provided, single submitter. Criteria: Invitae Variant Classification Sherloc (09022015). Collection method: clinical testing. Allele origin: germline.
Comment: This sequence change replaces phenylalanine, which is neutral and non-polar, with leucine, which is neutral and non-polar, at codon 680 of the ATM protein (p.Phe680Leu). This variant is not present in population databases (gnomAD no frequency). This variant has not been reported in the literature in individuals affected with ATM-related conditions. Algorithms developed to predict the effect of missense changes on protein structure and function output the following: SIFT: "Not Available"; PolyPhen-2: "Benign"; Align-GVGD: "Not Available". The leucine amino acid residue is found in multiple mammalian species, which suggests that this missense change does not adversely affect protein function. In summary, the available evidence is currently insufficient to determine the role of this variant in disease. Therefore, it has been classified as a Variant of Uncertain Significance.

NM_000051.4(ATM):c.2038T>C (p.Phe680Leu)

Gene: ATM (ATM serine/threonine kinase; plus strand). Cytogenetic location: 11q22.3.
Variant type: single nucleotide variant.
Coding change: c.2038T>C on transcript NM_000051.4 (MANE Select); coding-DNA position 2038, T replaced by C.
Protein change: p.Phe680Leu; replaces phenylalanine 680 with leucine.
Molecular consequence: missense variant.
Genome position (GRCh38, 1-based): chr11:108,253,953, T>C. VCF-style: chr11-108253953-T-C. GRCh37 (hg19) VCF-style: chr11-108124680-T-C.
Other names: c.2038T>C, p.Phe680Leu (NM_001351834.2); short protein forms F680L.
Identifiers: ClinVar variation 2756022 (VCV002756022.3), dbSNP rs2135369655, ClinGen allele CA382537404.